The following is an entry in ClinVar:

NM_001034853.2(RPGR):c.2939_2940insAGGGGAGGAAGAAGGGGA (p.Glu984_Glu985insGlyGluGlyGluGluGlu)

Gene: RPGR (retinitis pigmentosa GTPase regulator; minus strand). Cytogenetic location: Xp11.4.
Variant type: Insertion.
Coding change: c.2939_2940insAGGGGAGGAAGAAGGGGA on transcript NM_001034853.2 (MANE Select); coding-DNA positions 2939 to 2940, AGGGGAGGAAGAAGGGGA inserted.
Protein change: p.Glu984_Glu985insGlyGluGlyGluGluGlu.
Molecular consequence: inframe insertion. On other transcripts: intron variant (8).
Genome position: GRCh38 VCF-style: chrX-38286059-C-CTCCCCTTCTTCCTCCCCT. GRCh37 (hg19) VCF-style: chrX-38145312-C-CTCCCCTTCTTCCTCCCCT.
Other names: c.1569+4899_1569+4900insAGAAGGGGAAGGGGAGGA (NM_001367249.1, NM_001367250.1); c.1902+1034_1902+1035insAGAAGGGGAAGGGGAGGA (NM_001367245.1); c.1386+4899_1386+4900insAGAAGGGGAAGGGGAGGA (NM_001367251.1); c.1719+1034_1719+1035insAGAAGGGGAAGGGGAGGA (NM_001367246.1); c.1572+4899_1572+4900insAGAAGGGGAAGGGGAGGA (NM_001367247.1); c.1905+1034_1905+1035insAGAAGGGGAAGGGGAGGA (NM_000328.3); c.1602+4899_1602+4900insAGAAGGGGAAGGGGAGGA (NM_001367248.1).
Identifiers: ClinVar variation 2695357 (VCV002695357.3), dbSNP rs2519784625, ClinGen allele CA2697553046.
Genomic context (GRCh38, chrX:38,286,059, plus strand): 5'-CTCCCCTTCTTCTTCCCCTTCCTCCTCTTCCCCCTCCCCTTCTCCTTCCTCCTCTTCCCC[C>CTCCCCTTCTTCCTCCCCT]TCCCCTTCTCCTTCCTCCCCTTCCCCTTCTCCTTCCTCTTCCCCCTCCCCTTCTCCTTCC-3'

ClinVar aggregate classification (germline): Uncertain significance (1 of 4 stars; one submission).

Conditions:
Primary ciliary dyskinesia. Also called: Ciliary dyskinesia. Identifiers: Orphanet 244, MedGen C0008780, MONDO:0016575, HP:0012265.

Submission:

Labcorp Genetics (formerly Invitae), Labcorp
Classification: Uncertain significance for Primary ciliary dyskinesia. Last evaluated: 2023-11-16. Review status: criteria provided, single submitter. Criteria: Invitae Variant Classification Sherloc (09022015). Collection method: clinical testing. Allele origin: germline.
Comment: This variant, c.2939_2940insAGGGGAGGAAGAAGGGGA, results in the insertion of 6 amino acid(s) of the RPGR (ORF15) protein (p.Gly979_Glu984dup), but otherwise preserves the integrity of the reading frame. This variant is not present in population databases (gnomAD no frequency). This variant has not been reported in the literature in individuals affected with RPGR (ORF15)-related conditions. In summary, the available evidence is currently insufficient to determine the role of this variant in disease. Therefore, it has been classified as a Variant of Uncertain Significance.